The following is an entry in ClinVar:

NM_015046.7(SETX):c.6161G>A (p.Ser2054Asn)

Gene: SETX (senataxin; minus strand). Cytogenetic location: 9q34.13.
Variant type: single nucleotide variant.
Coding change: c.6161G>A on transcript NM_015046.7 (MANE Select); coding-DNA position 6161, G replaced by A.
Protein change: p.Ser2054Asn; replaces serine 2054 with asparagine.
Molecular consequence: missense variant.
Genome position (GRCh38, 1-based): chr9:132,288,597, C>T on the plus strand (G>A on the coding strand, the complement: SETX is on the minus strand). VCF-style: chr9-132288597-C-T. GRCh37 (hg19) VCF-style: chr9-135163984-C-T.
Other names: c.6161G>A, p.Ser2054Asn (NM_001351527.2, NM_001351528.2); short protein forms S2054N.
Identifiers: ClinVar variation 837295 (VCV000837295.16), dbSNP rs200778360, ClinGen allele CA5296819.

ClinVar aggregate classification (germline): Conflicting classifications of pathogenicity. Review status: criteria provided, conflicting classifications (1 of 4 stars). 5 submissions from 4 submitters: Uncertain significance (3); Benign (1); Likely benign (1). Last evaluated 2026-05-22.

Conditions:
Spinocerebellar ataxia, autosomal recessive, with axonal neuropathy 2 (SCAN2). Also called: ATAXIA-OCULOMOTOR APRAXIA 2; Ataxia with Oculomotor Apraxia Type 2; Ataxia-ocular apraxia-2; Ataxia with Oculomotor Apraxia. Identifiers: Orphanet 64753, MedGen C1853761, MONDO:0018996, OMIM 606002.
Amyotrophic lateral sclerosis type 4 (ALS4). Also called: AMYOTROPHIC LATERAL SCLEROSIS 4, JUVENILE; NEURONOPATHY, DISTAL HEREDITARY MOTOR, WITH PYRAMIDAL FEATURES. Identifiers: Orphanet 357043, MedGen C1865409, MONDO:0011223, OMIM 602433.
SETX-related disorder. Also called: SETX-related condition; SETX-related disorders. Identifiers: MedGen CN239403.

Allele frequency attached by ClinVar (database versions not stated): gnomAD 0.00006 and 0.00007; ExAC 0.00012; TOPMed 0.00012; gnomAD exomes 0.00014; 1000 Genomes Project 30x 0.00016; 1000 Genomes Project 0.00020.
gnomAD v4.1: 46 of 1,613,916 alleles (0.0029%); highest among the groups gnomAD compares: East Asian, 0.087%; no homozygotes.

Submissions (5):

PreventionGenetics, part of Exact Sciences
Classification: Uncertain significance for SETX-related condition. Last evaluated: 2026-05-22. Review status: criteria provided, single submitter. Criteria: ACMG Guidelines, 2015. Collection method: clinical testing. Allele origin: germline.
Comment: The SETX c.6161G>A variant is predicted to result in the amino acid substitution p.Ser2054Asn. This variant has been reported in individuals with amyotrophic lateral sclerosis (ALS) and/or frontotemporal dementia (FTD); however, evidence to support pathogenicity was not provided (Table S1, Kim et al. 2018. PubMed ID: 30054184; Zhang et al. 2018. PubMed ID: 30301576; Table S1, Hu et al. 2023. PubMed ID: 37952009). One ALS patient also harbored a splice variant in the KIF5A gene that was likely the explanation for the disease (Zhang et al. 2018. PubMed ID: 30301576). This variant is reported in 0.18% of alleles in individuals of East Asian descent in gnomAD, which may be too common for a causative variant. This variant has conflicting classifications in the ClinVar database ranging from benign to uncertain (Variation ID: 837295). Although we suspect that this variant may be benign, at this time, the clinical significance of this variant is uncertain due to the absence of conclusive functional and genetic evidence.

Labcorp Genetics (formerly Invitae), Labcorp
Classification: Benign for Amyotrophic lateral sclerosis type 4; Spinocerebellar ataxia, autosomal recessive, with axonal neuropathy 2. Last evaluated: 2025-11-05. Review status: criteria provided, single submitter. Criteria: Invitae Variant Classification Sherloc (09022015). Collection method: clinical testing. Allele origin: germline.

Revvity Omics, Revvity
Classification: Uncertain significance. Last evaluated: 2019-06-18. Review status: criteria provided, single submitter. Criteria: ACMG Guidelines, 2015. Collection method: clinical testing. Allele origin: germline.

Illumina Laboratory Services, Illumina
Classification: Uncertain significance for Spinocerebellar ataxia, autosomal recessive, with axonal neuropathy 2. Last evaluated: 2018-01-12. Review status: criteria provided, single submitter. Criteria: ICSL Variant Classification Criteria 13 December 2019. Collection method: clinical testing. Allele origin: germline.

Illumina Laboratory Services, Illumina
Classification: Likely benign for Amyotrophic lateral sclerosis type 4. Last evaluated: 2018-01-12. Review status: criteria provided, single submitter. Criteria: ICSL Variant Classification Criteria 13 December 2019. Collection method: clinical testing. Allele origin: germline.
Comment: This variant was observed in the ICSL laboratory as part of a predisposition screen in an ostensibly healthy population. It had not been previously curated by ICSL or reported in the Human Gene Mutation Database (HGMD: prior to June 1st, 2018), and was therefore a candidate for classification through an automated scoring system. Utilizing variant allele frequency, disease prevalence and penetrance estimates, and inheritance mode, an automated score was calculated to assess if this variant is too frequent to cause the disease. Based on the score and internal cut-off values, a variant classified as likely benign is not then subjected to further curation. The score for this variant resulted in a classification of likely benign for this disease.